The following is an entry in ClinVar:

ClinVar aggregate classification (germline): Uncertain significance (1 of 4 stars; one submission).

Conditions:
Progressive myoclonic epilepsy. Also called: Familial progressive myoclonic epilepsy; Myoclonic Epilepsies, Progressive; Progressive myoclonus epilepsy; Myoclonus epilepsy. Identifiers: Orphanet 308, Orphanet 98261, MedGen C0751778, MONDO:0020074.

Submission:

Labcorp Genetics (formerly Invitae), Labcorp
Classification: Uncertain significance for Progressive myoclonic epilepsy. Last evaluated: 2021-01-15. Review status: criteria provided, single submitter. Criteria: Invitae Variant Classification Sherloc (09022015). Collection method: clinical testing. Allele origin: germline.
Comment: This sequence change replaces proline with glutamine at codon 234 of the EPM2A protein (p.Pro234Gln). The proline residue is highly conserved and there is a moderate physicochemical difference between proline and glutamine. This variant is not present in population databases (ExAC no frequency). This variant has not been reported in the literature in individuals with EPM2A-related conditions. ClinVar contains an entry for this variant (Variation ID: 531806). Algorithms developed to predict the effect of missense changes on protein structure and function are either unavailable or do not agree on the potential impact of this missense change (SIFT: "Deleterious"; PolyPhen-2: "Benign"; Align-GVGD: "Class C65"). In summary, the available evidence is currently insufficient to determine the role of this variant in disease. Therefore, it has been classified as a Variant of Uncertain Significance.

NM_005670.4(EPM2A):c.701C>A (p.Pro234Gln)

Gene: EPM2A (EPM2A glucan phosphatase, laforin; minus strand). Cytogenetic location: 6q24.3.
Variant type: single nucleotide variant.
Coding change: c.701C>A on transcript NM_005670.4 (MANE Select); coding-DNA position 701, C replaced by A.
Protein change: p.Pro234Gln; replaces proline 234 with glutamine.
Molecular consequence: missense variant. On other transcripts: intron variant (1).
Genome position (GRCh38, 1-based): chr6:145,635,262, G>T on the plus strand (C>A on the coding strand, the complement: EPM2A is on the minus strand). VCF-style: chr6-145635262-G-T. GRCh37 (hg19) VCF-style: chr6-145956398-G-T.
Other names: c.701C>A, p.Pro234Gln (NM_001018041.2, NM_001368130.1); c.287C>A, p.Pro96Gln (NM_001360064.2, NM_001360071.2, NM_001368131.1); c.239C>A, p.Pro80Gln (NM_001368129.2, NM_001368132.1); c.477-7569C>A (NM_001360057.2); short protein forms P234Q, P80Q, P96Q.
Identifiers: ClinVar variation 531806 (VCV000531806.8), dbSNP rs1554256976, ClinGen allele CA366190842.